The following is an entry in ClinVar:

NM_003482.4(KMT2D):c.3661C>T (p.Pro1221Ser)

Genes: KMT2D (lysine methyltransferase 2D; minus strand), LOC126861520 (CDK7 strongly-dependent group 2 enhancer GRCh37_chr12:49442744-49443943; plus strand). Cytogenetic location: 12q13.12.
Variant type: single nucleotide variant.
Coding change: c.3661C>T on transcript NM_003482.4 (MANE Select); coding-DNA position 3661, C replaced by T.
Protein change: p.Pro1221Ser; replaces proline 1221 with serine.
Molecular consequence: missense variant.
Genome position (GRCh38, 1-based): chr12:49,049,927, G>A on the plus strand (C>T on the coding strand, the complement: KMT2D is on the minus strand). VCF-style: chr12-49049927-G-A. GRCh37 (hg19) VCF-style: chr12-49443710-G-A.
Other names: short protein forms P1221S.
Identifiers: ClinVar variation 5020188 (VCV005020188.1).
Genomic context (GRCh38, chr12:49,049,927, plus strand): 5'-CCATGGACAGGGAGCCACCCCCCTCCGGGTCTGGAGAGCCCAGGAGGGGCTCTGAGCCAG[G>A]AAAACTGGCACTGGCATCACCCTGGCTCAGATTAGAGATCTCGTTAACGATGTCGGATTT-3'
Protein context (NP_003473.3, residues 1211-1231): LSQGDASASF[Pro1221Ser]GSEPLLGSPD

ClinVar aggregate classification (germline): Uncertain significance (1 of 4 stars; one submission).

Submission:

Dasa
Classification: Uncertain significance. Last evaluated: 2026-07-17. Review status: criteria provided, single submitter. Criteria: DASA Assertion Criteria. Collection method: clinical testing. Allele origin: germline.
Comment: NM_003482.4(KMT2D):c.3661C>T (p.Pro1221Ser) is a missense variant that results in the substitution of proline with serine. This variant is rare in population databases. The currently available literature and clinical evidence are not sufficient to establish a definitive association between this variant and the reported condition. Therefore, this variant is classified as a variant of uncertain significance.